The following is an entry in ClinVar:

NM_024757.5(EHMT1):c.2182G>A (p.Asp728Asn)

Gene: EHMT1 (euchromatic histone lysine methyltransferase 1; plus strand). Cytogenetic location: 9q34.3.
Variant type: single nucleotide variant.
Coding change: c.2182G>A on transcript NM_024757.5 (MANE Select); coding-DNA position 2182, G replaced by A.
Protein change: p.Asp728Asn; replaces aspartic acid 728 with asparagine.
Molecular consequence: missense variant.
Genome position (GRCh38, 1-based): chr9:137,778,045, G>A. VCF-style: chr9-137778045-G-A. GRCh37 (hg19) VCF-style: chr9-140672497-G-A.
Other names: c.2182G>A (NM_024757.4); c.2182G>A, p.Asp728Asn (NM_001145527.2); c.2089G>A, p.Asp697Asn (NM_001354259.2); c.2161G>A, p.Asp721Asn (NM_001354263.2); short protein forms D697N, D728N, D721N.
Identifiers: ClinVar variation 4751364 (VCV004751364.2).

ClinVar aggregate classification (germline): Conflicting classifications of pathogenicity. Review status: criteria provided, conflicting classifications (1 of 4 stars). 2 submissions from 2 submitters: Uncertain significance (1); Likely benign (1). Last evaluated 2026-09-09.

Conditions:
Kleefstra syndrome 1 (KLEFS1). Identifiers: Orphanet 261494, MedGen C0795833, MONDO:0027407, OMIM 610253.
Inborn genetic diseases. Identifiers: MedGen C0950123, MeSH D030342.

gnomAD v4.1: 12 of 1,613,670 alleles (0.00074%); highest among the groups gnomAD compares: Admixed American, 0.0033%; no homozygotes.

Submissions (2):

Ambry Genetics
Classification: Uncertain significance for Inborn genetic diseases. Last evaluated: 2026-09-09. Review status: criteria provided, single submitter. Criteria: Ambry Variant Classification Scheme 2023. Collection method: clinical testing. Allele origin: germline.
Comment: The c.2182G>A (p.D728N) alteration is located in exon 13 (coding exon 13) of the EHMT1 gene. This alteration results from a G to A substitution at nucleotide position 2182, causing the aspartic acid (D) at amino acid position 728 to be replaced by an asparagine (N). Based on data from gnomAD, the A allele has an overall frequency of 0.001% (4/282388) total alleles studied. The highest observed frequency was 0.014% (1/7218) of Other alleles. Based on insufficient or conflicting evidence, the clinical significance of this alteration remains unclear.

Labcorp Genetics (formerly Invitae), Labcorp
Classification: Likely benign for Kleefstra syndrome 1. Last evaluated: 2025-11-06. Review status: criteria provided, single submitter. Criteria: Invitae Variant Classification Sherloc (09022015). Collection method: clinical testing. Allele origin: germline.